The following is an entry in ClinVar:

NM_001164665.2(KIAA1549):c.1266G>A (p.Ala422=)

Gene: KIAA1549 (KIAA1549; minus strand). Cytogenetic location: 7q34.
Variant type: single nucleotide variant.
Coding change: c.1266G>A on transcript NM_001164665.2 (MANE Select); coding-DNA position 1266, G replaced by A.
Protein change: p.Ala422=; no amino-acid change (alanine 422 retained).
Molecular consequence: synonymous variant.
Genome position (GRCh38, 1-based): chr7:138,918,360, C>T on the plus strand (G>A on the coding strand, the complement: KIAA1549 is on the minus strand). VCF-style: chr7-138918360-C-T. GRCh37 (hg19) VCF-style: chr7-138603106-C-T.
Other names: c.1266G>A, p.Ala422= (NM_020910.3).
Identifiers: ClinVar variation 1506500 (VCV001506500.13), dbSNP rs377103292, ClinGen allele CA4506767.

ClinVar aggregate classification (germline): Likely benign. Review status: criteria provided, multiple submitters, no conflicts (2 of 4 stars). 3 submissions from 3 submitters: Likely benign (3). Last evaluated 2026-01-01.

Allele frequency attached by ClinVar (database versions not stated): ESP Exome Variant Server 0.00008; gnomAD 0.00008 and 0.00009; gnomAD exomes 0.00009 and 0.00015; TOPMed 0.00011; ExAC 0.00013.
gnomAD v4.1: 227 of 1,613,780 alleles (0.014%); highest among the groups gnomAD compares: Middle Eastern, 0.049%; 1 homozygote.

Submissions (3):

CeGaT Center for Human Genetics Tuebingen
Classification: Likely benign. Last evaluated: 2026-01-01. Review status: criteria provided, single submitter. Criteria: CeGaT Center For Human Genetics Tuebingen Variant Classification Criteria Version 2. Collection method: clinical testing. Allele origin: germline. Affected: yes. Observed: 1 variant allele.
Comment: KIAA1549: BP4, BP7

Labcorp Genetics (formerly Invitae), Labcorp
Classification: Likely benign. Last evaluated: 2025-10-18. Review status: criteria provided, single submitter. Criteria: Invitae Variant Classification Sherloc (09022015). Collection method: clinical testing. Allele origin: germline.

Blueprint Genetics
Classification: Likely benign. Last evaluated: 2024-02-21. Review status: criteria provided, single submitter. Criteria: ACMG Guidelines, 2015. Collection method: clinical testing. Allele origin: germline.